The following is an entry in ClinVar:

NM_001177693.2(ARHGEF28):c.4292A>G (p.Asp1431Gly)

Gene: ARHGEF28 (Rho guanine nucleotide exchange factor 28; plus strand). Cytogenetic location: 5q13.2.
Variant type: single nucleotide variant.
Coding change: c.4292A>G on transcript NM_001177693.2 (MANE Select); coding-DNA position 4292, A replaced by G.
Protein change: p.Asp1431Gly; replaces aspartic acid 1431 with glycine.
Molecular consequence: missense variant.
Genome position (GRCh38, 1-based): chr5:73,909,542, A>G. VCF-style: chr5-73909542-A-G. GRCh37 (hg19) VCF-style: chr5-73205367-A-G.
Other names: c.4292A>G, p.Asp1431Gly (NM_001080479.3, NM_001388078.1); c.3353A>G, p.Asp1118Gly (NM_001244364.2); c.3998A>G, p.Asp1333Gly (NM_001388076.1); short protein forms D1118G, D1333G, D1431G.
Identifiers: ClinVar variation 2612943 (VCV002612943.3), dbSNP rs572242968, ClinGen allele CA3305338.
Genomic context (GRCh38, chr5:73,909,542, plus strand): 5'-CTCTCGGCCACTCTATCCTCCGAGGCGGCCCCTTGCAGGACCAGAAGTCTCGCGACGCGG[A>G]CAGGCAGCATGAGGAGCTGGCCAATGTGCACCAGCTTCAGCACCAGCTCCAGCAGGAGCA-3'
Protein context (NP_001171164.1, residues 1421-1441): PLQDQKSRDA[Asp1431Gly]RQHEELANVH

ClinVar aggregate classification (germline): Uncertain significance. Review status: criteria provided, single submitter (1 of 4 stars). 2 submissions from 2 submitters: Uncertain significance (1). 1 of the submissions does not count toward it. Last evaluated 2023-07-19.

Conditions:
ARHGEF28-related disorder. Also called: ARHGEF28-related condition.

Allele frequency attached by ClinVar (database versions not stated): TOPMed below 0.00001; gnomAD 0.00001; 1000 Genomes Project 30x 0.00016; 1000 Genomes Project 0.00020.
gnomAD v4.1: 2 of 1,588,386 alleles (0.00013%); highest among the groups gnomAD compares: East Asian, 0.0023%; no homozygotes.

Submissions (2):

Ambry Genetics
Classification: Uncertain significance. Last evaluated: 2023-07-19. Review status: criteria provided, single submitter. Criteria: Ambry Variant Classification Scheme 2023. Collection method: clinical testing. Allele origin: germline.

PreventionGenetics, part of Exact Sciences
Classification: Uncertain significance for ARHGEF28-related condition. Last evaluated: 2024-01-02. Review status: no assertion criteria provided. Collection method: clinical testing. Allele origin: germline. Not counted in ClinVar's aggregate classification.
Comment: The ARHGEF28 c.4292A>G variant is predicted to result in the amino acid substitution p.Asp1431Gly. To our knowledge, this variant has not been reported in the literature. This variant is reported in 0.0069% of alleles in individuals of East Asian descent in gnomAD. At this time, the clinical significance of this variant is uncertain due to the absence of conclusive functional and genetic evidence.